The following is an entry in ClinVar:

ClinVar aggregate classification (germline): Uncertain significance (1 of 4 stars; one submission).

Allele frequency attached by ClinVar (database versions not stated): TOPMed 0.00001; gnomAD exomes 0.00002.
gnomAD v4.1: 7 of 1,614,068 alleles (0.00043%); highest among the groups gnomAD compares: East Asian, 0.013%; no homozygotes.

Submission:

Labcorp Genetics (formerly Invitae), Labcorp
Classification: Uncertain significance. Last evaluated: 2022-09-01. Review status: criteria provided, single submitter. Criteria: Invitae Variant Classification Sherloc (09022015). Collection method: clinical testing. Allele origin: germline.
Comment: This sequence change replaces lysine, which is basic and polar, with asparagine, which is neutral and polar, at codon 141 of the TTC37 protein (p.Lys141Asn). This variant is present in population databases (no rsID available, gnomAD 0.02%). This variant has not been reported in the literature in individuals affected with TTC37-related conditions. ClinVar contains an entry for this variant (Variation ID: 1387570). Algorithms developed to predict the effect of missense changes on protein structure and function (SIFT, PolyPhen-2, Align-GVGD) all suggest that this variant is likely to be tolerated. In summary, the available evidence is currently insufficient to determine the role of this variant in disease. Therefore, it has been classified as a Variant of Uncertain Significance.

NM_014639.4(SKIC3):c.423G>T (p.Lys141Asn)

Gene: SKIC3 (SKI3 subunit of superkiller complex; minus strand). Cytogenetic location: 5q15.
Variant type: single nucleotide variant.
Coding change: c.423G>T on transcript NM_014639.4 (MANE Select); coding-DNA position 423, G replaced by T.
Protein change: p.Lys141Asn; replaces lysine 141 with asparagine.
Molecular consequence: missense variant.
Genome position (GRCh38, 1-based): chr5:95,540,810, C>A on the plus strand (G>T on the coding strand, the complement: SKIC3 is on the minus strand). VCF-style: chr5-95540810-C-A. GRCh37 (hg19) VCF-style: chr5-94876514-C-A.
Other names: short protein forms K141N.
Identifiers: ClinVar variation 1387570 (VCV001387570.5), dbSNP rs1299598924, ClinGen allele CA360443495.
Genomic context (GRCh38, chr5:95,540,810, plus strand): 5'-TCTCCATAGTTGATGAAGCTCTTCATTTTCTGCACCTTGTTCCTGCCGTGTTTTTATCAA[C>A]TTGTGCCATGTTCGAGCCACCTATTAAAGAAGGAGATTTTAAATTATTTTGTCCAAAATG-3'
Protein context (NP_055454.1, residues 131-151): KHLEVARTWH[Lys141Asn]LIKTRQEQGA